The following is an entry in ClinVar:

ClinVar aggregate classification (germline): Likely benign (1 of 4 stars; one submission).

Conditions:
RAB23-related Carpenter syndrome. Also called: ACPS II; Carpenter syndrome 1. Identifiers: Orphanet 65759, MedGen C4551510, MONDO:0008710, OMIM 201000.

Allele frequency attached by ClinVar (database versions not stated): gnomAD 0.00102 and 0.00093; TOPMed 0.00107; 1000 Genomes Project 30x 0.00125; 1000 Genomes Project 0.00120.

Submission:

Illumina Laboratory Services, Illumina
Classification: Likely benign for RAB23-related Carpenter syndrome. Last evaluated: 2018-01-13. Review status: criteria provided, single submitter. Criteria: ICSL Variant Classification Criteria 13 December 2019. Collection method: clinical testing. Allele origin: germline.
Comment: This variant was observed in the ICSL laboratory as part of a predisposition screen in an ostensibly healthy population. It had not been previously curated by ICSL or reported in the Human Gene Mutation Database (HGMD: prior to June 1st, 2018), and was therefore a candidate for classification through an automated scoring system. Utilizing variant allele frequency, disease prevalence and penetrance estimates, and inheritance mode, an automated score was calculated to assess if this variant is too frequent to cause the disease. Based on the score and internal cut-off values, a variant classified as likely benign is not then subjected to further curation. The score for this variant resulted in a classification of likely benign for this disease.

NM_016277.5(RAB23):c.*677T>C

Genes: BAG2 (BAG cochaperone 2; plus strand), RAB23 (RAB23, member RAS oncogene family; minus strand). Cytogenetic location: 6p12.1.
Variant type: single nucleotide variant.
Coding change: c.*677T>C on transcript NM_016277.5 (MANE Select); 677 bases downstream of the stop codon, T replaced by C.
Molecular consequence: 3 prime UTR variant. On other transcripts: non-coding transcript variant (1).
Genome position (GRCh38, 1-based): chr6:57,189,784, A>G on the plus strand (T>C on the coding strand, the complement: RAB23 is on the minus strand). VCF-style: chr6-57189784-A-G. GRCh37 (hg19) VCF-style: chr6-57054582-A-G.
Other names: c.*677T>C (NM_001278666.2, NM_001278667.2, NM_001278668.2 and 1 more transcripts); c.*5594A>G (NM_004282.4).
Identifiers: ClinVar variation 909448 (VCV000909448.4), dbSNP rs375855440, ClinGen allele CA139736086.
Genomic context (GRCh38, chr6:57,189,784, plus strand): 5'-TAAAAATTAGGTATGATATTTTTGGCACAAAGCACTTTTTAAACCCAAGCTCATTTTGCA[A>G]AATATATGTCTAGAGTTTATCATTTGAAAATAAAAACATATACACAATATGTAAATGGTT-3'